The following is an entry in ClinVar:

NM_001244710.2(GFPT1):c.541T>A (p.Leu181Met)

Gene: GFPT1 (glutamine--fructose-6-phosphate transaminase 1; minus strand). Cytogenetic location: 2p13.3.
Variant type: single nucleotide variant.
Coding change: c.541T>A on transcript NM_001244710.2 (MANE Select); coding-DNA position 541, T replaced by A.
Protein change: p.Leu181Met; replaces leucine 181 with methionine.
Molecular consequence: missense variant.
Genome position (GRCh38, 1-based): chr2:69,358,331, A>T on the plus strand (T>A on the coding strand, the complement: GFPT1 is on the minus strand). VCF-style: chr2-69358331-A-T. GRCh37 (hg19) VCF-style: chr2-69585463-A-T.
Other names: c.541T>A, p.Leu181Met (NM_002056.4); short protein forms L181M.
Identifiers: ClinVar variation 3896876 (VCV003896876.1).

ClinVar aggregate classification (germline): Uncertain significance (1 of 4 stars; one submission).

Conditions:
Congenital myasthenic syndrome 12 (CMS12). Also called: MYASTHENIC SYNDROME, CONGENITAL, WITH TUBULAR AGGREGATES 1; Myasthenia, congenital, 12, with tubular aggregates. Identifiers: Orphanet 353327, Orphanet 590, MedGen C3552335, MONDO:0012518, OMIM 610542.

Submission:

Kariminejad - Najmabadi Pathology & Genetics Center
Classification: Uncertain significance for Congenital myasthenic syndrome 12. Last evaluated: 2018-02-26. Review status: criteria provided, single submitter. Criteria: ACMG Guidelines, 2015. Collection method: clinical testing. Allele origin: germline. Inheritance: Autosomal recessive inheritance. Affected: yes.
Comment: PM1,PM2,PP2